The following is an entry in ClinVar:

ClinVar aggregate classification (germline): Benign. Review status: criteria provided, multiple submitters, no conflicts (2 of 4 stars). 12 submissions from 8 submitters: Benign (11). 1 of the submissions does not count toward it. Last evaluated 2026-02-01.

Conditions:
Congenital myasthenic syndrome 16. Identifiers: Orphanet 590, MedGen C3280112, MONDO:0013620, OMIM 614198.
Paramyotonia congenita of Von Eulenburg. Also called: PARALYSIS PERIODICA PARAMYOTONICA; Paramyotonia Congenita; Eulenburg disease; Myotonia congenita intermittens; Von Eulenburg paramyotonia congenita. Identifiers: Orphanet 684, MedGen C0221055, MONDO:0008195, OMIM 168300. Disease mechanism: loss of function.
Hypokalemic periodic paralysis, type 2 (HOKPP2). Identifiers: Orphanet 681, MedGen C2750061, MONDO:0013234, OMIM 613345.
Hyperkalemic periodic paralysis. Also called: Familial hyperkalemic periodic paralysis; Gamstorp disease. Identifiers: Orphanet 682, MedGen C0238357, MONDO:0008224, OMIM 170500, HP:0007215.
Potassium-aggravated myotonia. Also called: MYOTONIA CONGENITA, ACETAZOLAMIDE-RESPONSIVE; MYOTONIA CONGENITA, ATYPICAL; SODIUM CHANNEL MUSCLE DISEASE; Myotonia congenita, atypical, acetazolamide-responsive. Identifiers: Orphanet 612, Orphanet 99734, Orphanet 99735, Orphanet 99736, MedGen C2931826, MONDO:0018959, OMIM 608390.

Allele frequency attached by ClinVar (database versions not stated): gnomAD 0.03148 and 0.02985; TOPMed 0.03382; ESP Exome Variant Server 0.03078; ExAC 0.01350; 1000 Genomes Project 0.04014; 1000 Genomes Project 30x 0.04076.
gnomAD v4.1: 9,252 of 1,611,234 alleles (0.57%); highest among the groups gnomAD compares: African/African-American, 10%; 435 homozygotes.

Submissions (12):

Labcorp Genetics (formerly Invitae), Labcorp
Classification: Benign for Hyperkalemic periodic paralysis. Last evaluated: 2026-02-01. Review status: criteria provided, single submitter. Criteria: Invitae Variant Classification Sherloc (09022015). Collection method: clinical testing. Allele origin: germline.

Athena Diagnostics
Classification: Benign. Last evaluated: 2025-05-08. Review status: criteria provided, single submitter. Criteria: Athena Diagnostics Criteria. Collection method: clinical testing. Allele origin: unknown.
Comment: The frequency of this variant in the general population is higher than would generally be expected for pathogenic variants in this gene.

Mayo Clinic Laboratories, Mayo Clinic
Classification: Benign. Last evaluated: 2018-06-12. Review status: criteria provided, single submitter. Criteria: ACMG Guidelines, 2015. Collection method: clinical testing. Allele origin: germline. Observed: 22 variant alleles.

Illumina Laboratory Services, Illumina
Classification: Benign for Congenital myasthenic syndrome 16. Last evaluated: 2018-01-13. Review status: criteria provided, single submitter. Criteria: ICSL Variant Classification Criteria 13 December 2019. Collection method: clinical testing. Allele origin: germline.
Comment: This variant was observed in the ICSL laboratory as part of a predisposition screen in an ostensibly healthy population. It had not been previously curated by ICSL or reported in the Human Gene Mutation Database (HGMD: prior to June 1st, 2018), and was therefore a candidate for classification through an automated scoring system. Utilizing variant allele frequency, disease prevalence and penetrance estimates, and inheritance mode, an automated score was calculated to assess if this variant is too frequent to cause the disease. Based on the score and internal cut-off values, a variant classified as benign is not then subjected to further curation. The score for this variant resulted in a classification of benign for this disease.

Illumina Laboratory Services, Illumina
Classification: Benign for Paramyotonia congenita of Von Eulenburg. Last evaluated: 2018-01-13. Review status: criteria provided, single submitter. Criteria: ICSL Variant Classification Criteria 13 December 2019. Collection method: clinical testing. Allele origin: germline.
Comment: the same text as in the submission from Illumina Laboratory Services, Illumina above.

Illumina Laboratory Services, Illumina
Classification: Benign for Potassium-aggravated myotonia. Last evaluated: 2018-01-13. Review status: criteria provided, single submitter. Criteria: ICSL Variant Classification Criteria 13 December 2019. Collection method: clinical testing. Allele origin: germline.
Comment: the same text as in the submission from Illumina Laboratory Services, Illumina above.

Illumina Laboratory Services, Illumina
Classification: Benign for Hypokalemic periodic paralysis, type 2. Last evaluated: 2018-01-13. Review status: criteria provided, single submitter. Criteria: ICSL Variant Classification Criteria 13 December 2019. Collection method: clinical testing. Allele origin: germline.
Comment: the same text as in the submission from Illumina Laboratory Services, Illumina above.

Illumina Laboratory Services, Illumina
Classification: Benign for Hyperkalemic periodic paralysis. Last evaluated: 2018-01-13. Review status: criteria provided, single submitter. Criteria: ICSL Variant Classification Criteria 13 December 2019. Collection method: clinical testing. Allele origin: germline.
Comment: the same text as in the submission from Illumina Laboratory Services, Illumina above.

GeneDx
Classification: Benign. Last evaluated: 2016-05-18. Review status: criteria provided, single submitter. Criteria: GeneDx Variant Classification (06012015). Collection method: clinical testing. Allele origin: germline. Affected: yes.
Comment: This variant is considered likely benign or benign based on one or more of the following criteria: it is a conservative change, it occurs at a poorly conserved position in the protein, it is predicted to be benign by multiple in silico algorithms, and/or has population frequency not consistent with disease.

Breakthrough Genomics
Classification: Benign. Review status: criteria provided, single submitter. Criteria: ACMG Guidelines, 2015. Collection method: not provided. Allele origin: germline. Inheritance: Autosomal recessive inheritance. Affected: yes.

PreventionGenetics, part of Exact Sciences
Classification: Benign. Review status: criteria provided, single submitter. Criteria: ACMG Guidelines, 2015. Collection method: clinical testing. Allele origin: germline.

Genetic Services Laboratory, University of Chicago
Classification: Likely benign for AllHighlyPenetrant. Review status: no assertion criteria provided. Collection method: clinical testing. Allele origin: germline. Inheritance: Autosomal recessive inheritance. Not counted in ClinVar's aggregate classification.
Comment: Likely benign based on allele frequency in 1000 Genomes Project or ESP global frequency and its presence in a patient with a rare or unrelated disease phenotype. NOT Sanger confirmed.

NM_000334.4(SCN4A):c.2919C>T (p.Pro973=)

Genes: GH-LCR (growth hormone locus control region; plus strand), SCN4A (sodium voltage-gated channel alpha subunit 4; minus strand). Cytogenetic location: 17q23.3.
Variant type: single nucleotide variant.
Coding change: c.2919C>T on transcript NM_000334.4 (MANE Select); coding-DNA position 2919, C replaced by T.
Protein change: p.Pro973=; no amino-acid change (proline 973 retained).
Molecular consequence: synonymous variant.
Genome position (GRCh38, 1-based): chr17:63,949,463, G>A on the plus strand (C>T on the coding strand, the complement: SCN4A is on the minus strand). VCF-style: chr17-63949463-G-A. GRCh37 (hg19) VCF-style: chr17-62026823-G-A.
Other names: p.Pro973=.
Identifiers: ClinVar variation 130230 (VCV000130230.24), dbSNP rs73992419, ClinGen allele CA155071.